The following is an entry in ClinVar:

NM_019024.3(HEATR5B):c.1185A>G (p.Val395=)

Gene: HEATR5B (HEAT repeat containing 5B; minus strand). Cytogenetic location: 2p22.2.
Variant type: single nucleotide variant.
Coding change: c.1185A>G on transcript NM_019024.3 (MANE Select); coding-DNA position 1185, A replaced by G.
Protein change: p.Val395=; no amino-acid change (valine 395 retained).
Molecular consequence: synonymous variant.
Genome position (GRCh38, 1-based): chr2:37,065,903, T>C on the plus strand (A>G on the coding strand, the complement: HEATR5B is on the minus strand). VCF-style: chr2-37065903-T-C. GRCh37 (hg19) VCF-style: chr2-37293046-T-C.
Identifiers: ClinVar variation 5040170 (VCV005040170.1).

ClinVar aggregate classification (germline): Likely benign (1 of 4 stars; one submission).

gnomAD v4.1: 1 of 1,605,404 alleles (0.000062%); highest among the groups gnomAD compares: Non-Finnish European, 0.000085%; no homozygotes.

Submission:

CeGaT Center for Human Genetics Tuebingen
Classification: Likely benign. Last evaluated: 2026-08-01. Review status: criteria provided, single submitter. Criteria: CeGaT Center For Human Genetics Tuebingen Variant Classification Criteria Version 2. Collection method: clinical testing. Allele origin: germline. Affected: yes. Observed: 1 variant allele.
Comment: HEATR5B: BP4, BP7